The following is an entry in ClinVar:

ClinVar aggregate classification (germline): Benign. Review status: criteria provided, multiple submitters, no conflicts (2 of 4 stars). 7 submissions from 6 submitters: Benign (6). 1 of the submissions does not count toward it. Last evaluated 2026-02-04.

Conditions:
KIDINS220-related disorder. Also called: KIDINS220-related condition.
Ventriculomegaly and arthrogryposis. Identifiers: MedGen C5561973, MONDO:0859184, OMIM 619501.
Spastic paraplegia, intellectual disability, nystagmus, and obesity. Also called: Spastic paraplegia, intellectual disability, nystagmus, and obesity;. Identifiers: Orphanet 521390, MedGen C4284592, MONDO:0015007, OMIM 617296.

Allele frequency attached by ClinVar (database versions not stated): 1000 Genomes Project 30x 0.23595; TOPMed 0.25018; ExAC 0.26265; gnomAD exomes 0.26625 and 0.26809; 1000 Genomes Project 0.23502; ESP Exome Variant Server 0.24863; gnomAD 0.26069 and 0.26219.
gnomAD v4.1: 428,307 of 1,613,864 alleles (27%); highest among the groups gnomAD compares: Admixed American, 27%; 57,880 homozygotes.

Submissions (7):

Labcorp Genetics (formerly Invitae), Labcorp
Classification: Benign. Last evaluated: 2026-02-04. Review status: criteria provided, single submitter. Criteria: Invitae Variant Classification Sherloc (09022015). Collection method: clinical testing. Allele origin: germline.

Mayo Clinic Laboratories, Mayo Clinic
Classification: Benign. Last evaluated: 2022-03-24. Review status: criteria provided, single submitter. Criteria: ACMG Guidelines, 2015. Collection method: clinical testing. Allele origin: germline. Observed: 132 variant alleles.

Genome-Nilou Lab
Classification: Benign for Spastic paraplegia, intellectual disability, nystagmus, and obesity. Last evaluated: 2021-08-19. Review status: criteria provided, single submitter. Criteria: ACMG Guidelines, 2015. Collection method: clinical testing. Allele origin: germline. Affected: no.

Genome-Nilou Lab
Classification: Benign for Ventriculomegaly and arthrogryposis. Last evaluated: 2021-08-19. Review status: criteria provided, single submitter. Criteria: ACMG Guidelines, 2015. Collection method: clinical testing. Allele origin: germline. Affected: no.

GeneDx
Classification: Benign. Last evaluated: 2021-05-04. Review status: criteria provided, single submitter. Criteria: GeneDx Variant Classification Process June 2021. Collection method: clinical testing. Allele origin: germline. Affected: yes.

Breakthrough Genomics
Classification: Benign. Review status: criteria provided, single submitter. Criteria: ACMG Guidelines, 2015. Collection method: not provided. Allele origin: germline. Inheritance: Autosomal recessive inheritance. Affected: yes.

PreventionGenetics, part of Exact Sciences
Classification: Benign for KIDINS220-related condition. Last evaluated: 2022-05-12. Review status: no assertion criteria provided. Collection method: clinical testing. Allele origin: germline. Not counted in ClinVar's aggregate classification.
Comment: This variant is classified as benign based on ACMG/AMP sequence variant interpretation guidelines (Richards et al. 2015 PMID: 25741868, with internal and published modifications).

NM_020738.4(KIDINS220):c.4824G>T (p.Gln1608His)

Gene: KIDINS220 (kinase D interacting substrate 220; minus strand). Cytogenetic location: 2p25.1.
Variant type: single nucleotide variant.
Coding change: c.4824G>T on transcript NM_020738.4 (MANE Select); coding-DNA position 4824, G replaced by T.
Protein change: p.Gln1608His; replaces glutamine 1608 with histidine.
Molecular consequence: missense variant. On other transcripts: intron variant (6).
Genome position (GRCh38, 1-based): chr2:8,731,212, C>A on the plus strand (G>T on the coding strand, the complement: KIDINS220 is on the minus strand). VCF-style: chr2-8731212-C-A. GRCh37 (hg19) VCF-style: chr2-8871342-C-A.
Other names: p.Gln1608His; c.4827G>T, p.Gln1609His (NM_001348729.2); c.4770G>T, p.Gln1590His (NM_001348731.2); c.4767G>T, p.Gln1589His (NM_001348732.2); c.4656G>T, p.Gln1552His (NM_001348734.2); c.4653G>T, p.Gln1551His (NM_001348735.2); c.4527G>T, p.Gln1509His (NM_001348736.2); c.3882+2232G>T (NM_001348741.2, NM_001348742.2, NM_001348743.2); and 2 more; short protein forms Q1509H, Q1551H, Q1552H, Q1589H, Q1590H, Q1608H, Q1609H.
Identifiers: ClinVar variation 1169867 (VCV001169867.17), dbSNP rs1044280, ClinGen allele CA1519304.